The following is an entry in ClinVar:

NM_004281.4(BAG3):c.111C>T (p.Pro37=)

Gene: BAG3 (BAG cochaperone 3; plus strand). Cytogenetic location: 10q26.11.
Variant type: single nucleotide variant.
Coding change: c.111C>T on transcript NM_004281.4 (MANE Select); coding-DNA position 111, C replaced by T.
Protein change: p.Pro37=; no amino-acid change (proline 37 retained).
Molecular consequence: synonymous variant.
Genome position (GRCh38, 1-based): chr10:119,651,786, C>T. VCF-style: chr10-119651786-C-T. GRCh37 (hg19) VCF-style: chr10-121411298-C-T.
Identifiers: ClinVar variation 44775 (VCV000044775.13), dbSNP rs397516880, ClinGen allele CA135013.

ClinVar aggregate classification (germline): Likely benign. Review status: criteria provided, multiple submitters, no conflicts (2 of 4 stars). 3 submissions from 3 submitters: Likely benign (3). Last evaluated 2025-07-30.

Conditions:
Cardiovascular phenotype. Identifiers: MedGen CN230736.
Dilated cardiomyopathy 1HH (CMD1HH). Identifiers: Orphanet 154, MedGen C3151293, MONDO:0013479, OMIM 613881.
Myofibrillar myopathy 6. Identifiers: Orphanet 199340, MedGen C2751831, MONDO:0013061, OMIM 612954.

gnomAD v4.1: 11 of 1,602,640 alleles (0.00069%); highest among the groups gnomAD compares: Non-Finnish European, 0.00077%; no homozygotes.

Submissions (3):

Labcorp Genetics (formerly Invitae), Labcorp
Classification: Likely benign for Dilated cardiomyopathy 1HH; Myofibrillar myopathy 6. Last evaluated: 2025-07-30. Review status: criteria provided, single submitter. Criteria: Invitae Variant Classification Sherloc (09022015). Collection method: clinical testing. Allele origin: germline.

Ambry Genetics
Classification: Likely benign for Cardiovascular phenotype. Last evaluated: 2024-03-10. Review status: criteria provided, single submitter. Criteria: Ambry Variant Classification Scheme 2023. Collection method: clinical testing. Allele origin: germline.

Laboratory for Molecular Medicine, Mass General Brigham Personalized Medicine
Classification: Likely benign. Last evaluated: 2012-08-30. Review status: criteria provided, single submitter. Criteria: LMM Criteria. Collection method: clinical testing. Allele origin: germline. Observed: 1 variant allele.
Comment: Pro37Pro in exon 1 of BAG3: This variant is not expected to have clinical signif icance because it does not alter an amino acid residue and is not located within the splice consensus sequence. Pro37Pro in exon 1 of BAG3 (allele frequency = n/a)